The following is an entry in ClinVar:

ClinVar aggregate classification (germline): Uncertain significance. Review status: criteria provided, multiple submitters, no conflicts (2 of 4 stars). 3 submissions from 3 submitters: Uncertain significance (2). 1 of the submissions does not count toward it. Last evaluated 2025-12-26.

Conditions:
EYA4-related disorder. Also called: EYA4-related condition; EYA4-related disorders. Identifiers: MedGen CN239388.
Dilated cardiomyopathy 1J (CMD1J). Also called: CARDIOMYOPATHY, DILATED, WITH SENSORINEURAL HEARING LOSS, AUTOSOMAL DOMINANT. Identifiers: Orphanet 217622, MedGen C1854368, MONDO:0011541, OMIM 605362.

Allele frequency attached by ClinVar (database versions not stated): gnomAD exomes below 0.00001; TOPMed below 0.00001; ExAC 0.00001.
gnomAD v4.1: 3 of 1,613,228 alleles (0.00019%); highest among the groups gnomAD compares: Non-Finnish European, 0.00025%; no homozygotes.

Submissions (3):

Labcorp Genetics (formerly Invitae), Labcorp
Classification: Uncertain significance for Dilated cardiomyopathy 1J. Last evaluated: 2025-12-26. Review status: criteria provided, single submitter. Criteria: Invitae Variant Classification Sherloc (09022015). Collection method: clinical testing. Allele origin: germline.
Comment: This sequence change replaces asparagine, which is neutral and polar, with serine, which is neutral and polar, at codon 72 of the EYA4 protein (p.Asn72Ser). This variant is present in population databases (rs200688814, gnomAD 0.0009%). This variant has not been reported in the literature in individuals affected with EYA4-related conditions. ClinVar contains an entry for this variant (Variation ID: 191658). An algorithm developed to predict the effect of missense changes on protein structure and function (PolyPhen-2) suggests that this variant is likely to be tolerated. In summary, the available evidence is currently insufficient to determine the role of this variant in disease. Therefore, it has been classified as a Variant of Uncertain Significance.

Biesecker Lab/Clinical Genomics Section, National Institutes of Health
Classification: Uncertain significance. Last evaluated: 2013-06-24. Review status: criteria provided, single submitter. Criteria: Ng et al. (Circ Cardiovasc Genet. 2013). Collection method: research. Allele origin: unknown. Observed: 1 variant allele. Study: ClinSeq.
Comment: The study set was not selected for affection status in relation to any cancer. Pathogenicity categories were based on literature curation. See Pubmed ID:23861362 for details.

Medical sequencing

PreventionGenetics, part of Exact Sciences
Classification: Uncertain significance for EYA4-related condition. Last evaluated: 2024-02-27. Review status: no assertion criteria provided. Collection method: clinical testing. Allele origin: germline. Not counted in ClinVar's aggregate classification.
Comment: The EYA4 c.215A>G variant is predicted to result in the amino acid substitution p.Asn72Ser. To our knowledge, this variant has not been reported in individuals with cardiomyopathy in the literature. This variant is reported in 0.00088% of alleles in individuals of European (Non-Finnish) descent in gnomAD. At this time, the clinical significance of this variant is uncertain due to the absence of conclusive functional and genetic evidence.

NM_004100.5(EYA4):c.215A>G (p.Asn72Ser)

Gene: EYA4 (EYA transcriptional coactivator and phosphatase 4; plus strand). Cytogenetic location: 6q23.2.
Variant type: single nucleotide variant.
Coding change: c.215A>G on transcript NM_004100.5 (MANE Select); coding-DNA position 215, A replaced by G.
Protein change: p.Asn72Ser; replaces asparagine 72 with serine.
Molecular consequence: missense variant. On other transcripts: intron variant (4).
Genome position (GRCh38, 1-based): chr6:133,448,117, A>G. VCF-style: chr6-133448117-A-G. GRCh37 (hg19) VCF-style: chr6-133769255-A-G.
Other names: c.215A>G, p.Asn72Ser (NM_001301013.2, NM_172105.4); c.208+1363A>G (NM_001370458.1, NM_172103.4, NM_001370459.1 and 1 more transcripts); short protein forms N72S.
Identifiers: ClinVar variation 191658 (VCV000191658.8), dbSNP rs200688814, ClinGen allele CA237180.